The following is an entry in ClinVar:

NM_000208.4(INSR):c.3863A>G (p.Asn1288Ser)

Gene: INSR (insulin receptor; minus strand). Cytogenetic location: 19p13.2.
Variant type: single nucleotide variant.
Coding change: c.3863A>G on transcript NM_000208.4 (MANE Select); coding-DNA position 3863, A replaced by G.
Protein change: p.Asn1288Ser; replaces asparagine 1288 with serine.
Molecular consequence: missense variant.
Genome position (GRCh38, 1-based): chr19:7,117,342, T>C on the plus strand (A>G on the coding strand, the complement: INSR is on the minus strand). VCF-style: chr19-7117342-T-C. GRCh37 (hg19) VCF-style: chr19-7117353-T-C.
Other names: c.3827A>G, p.Asn1276Ser (NM_001079817.3); short protein forms N1288S, N1276S.
Identifiers: ClinVar variation 593002 (VCV000593002.6), dbSNP rs756542405, ClinGen allele CA9135128.

ClinVar aggregate classification (germline): Uncertain significance. Review status: criteria provided, multiple submitters, no conflicts (2 of 4 stars). 2 submissions from 2 submitters: Uncertain significance (2). Last evaluated 2025-09-28.

Allele frequency attached by ClinVar (database versions not stated): gnomAD 0.00001; gnomAD exomes 0.00001; TOPMed 0.00001; ExAC 0.00002.
gnomAD v4.1: 11 of 1,613,974 alleles (0.00068%); highest among the groups gnomAD compares: African/African-American, 0.0013%; no homozygotes.

Submissions (2):

Labcorp Genetics (formerly Invitae), Labcorp
Classification: Uncertain significance. Last evaluated: 2025-09-28. Review status: criteria provided, single submitter. Criteria: Invitae Variant Classification Sherloc (09022015). Collection method: clinical testing. Allele origin: germline.
Comment: This sequence change replaces asparagine, which is neutral and polar, with serine, which is neutral and polar, at codon 1288 of the INSR protein (p.Asn1288Ser). This variant is present in population databases (rs756542405, gnomAD 0.007%). This variant has not been reported in the literature in individuals affected with INSR-related conditions. ClinVar contains an entry for this variant (Variation ID: 593002). Invitae Evidence Modeling of protein sequence and biophysical properties (such as structural, functional, and spatial information, amino acid conservation, physicochemical variation, residue mobility, and thermodynamic stability) indicates that this missense variant is not expected to disrupt INSR protein function with a negative predictive value of 95%. In summary, the available evidence is currently insufficient to determine the role of this variant in disease. Therefore, it has been classified as a Variant of Uncertain Significance.

Eurofins Ntd Llc (ga)
Classification: Uncertain significance. Last evaluated: 2017-07-22. Review status: criteria provided, single submitter. Criteria: EGL Classification Definitions 2015. Collection method: clinical testing. Allele origin: germline. Observed: 1 variant allele, 1 heterozygote.